The following is an entry in ClinVar:

ClinVar aggregate classification (germline): Uncertain significance. Review status: criteria provided, multiple submitters, no conflicts (2 of 4 stars). 2 submissions from 2 submitters: Uncertain significance (2). Last evaluated 2025-05-04.

Conditions:
Baller-Gerold syndrome (BGS). Also called: CRANIOSYNOSTOSIS WITH RADIAL DEFECTS. Identifiers: Orphanet 1225, MedGen C0265308, MONDO:0009039, OMIM 218600.
Inborn genetic diseases. Identifiers: MedGen C0950123, MeSH D030342.

Allele frequency attached by ClinVar (database versions not stated): gnomAD exomes below 0.00001; TOPMed below 0.00001; ESP Exome Variant Server 0.00008.

Submissions (2):

Ambry Genetics
Classification: Uncertain significance for Inborn genetic diseases. Last evaluated: 2025-05-04. Review status: criteria provided, single submitter. Criteria: Ambry Variant Classification Scheme 2023. Collection method: clinical testing. Allele origin: germline.
Comment: The p.P298L variant (also known as c.893C>T), located in coding exon 5 of the RECQL4 gene, results from a C to T substitution at nucleotide position 893. The proline at codon 298 is replaced by leucine, an amino acid with similar properties. This amino acid position is conserved. In addition, this alteration is predicted to be tolerated by in silico analysis. Based on the available evidence, the clinical significance of this variant remains unclear.

Labcorp Genetics (formerly Invitae), Labcorp
Classification: Uncertain significance for Baller-Gerold syndrome. Last evaluated: 2023-07-31. Review status: criteria provided, single submitter. Criteria: Invitae Variant Classification Sherloc (09022015). Collection method: clinical testing. Allele origin: germline.
Comment: Advanced modeling of protein sequence and biophysical properties (such as structural, functional, and spatial information, amino acid conservation, physicochemical variation, residue mobility, and thermodynamic stability) performed at Invitae indicates that this missense variant is not expected to disrupt RECQL4 protein function. In summary, the available evidence is currently insufficient to determine the role of this variant in disease. Therefore, it has been classified as a Variant of Uncertain Significance. ClinVar contains an entry for this variant (Variation ID: 1373469). This variant has not been reported in the literature in individuals affected with RECQL4-related conditions. This variant is not present in population databases (gnomAD no frequency). This sequence change replaces proline, which is neutral and non-polar, with leucine, which is neutral and non-polar, at codon 298 of the RECQL4 protein (p.Pro298Leu).

NM_004260.4(RECQL4):c.893C>T (p.Pro298Leu)

Gene: RECQL4 (RecQ like helicase 4; minus strand). Cytogenetic location: 8q24.3.
Variant type: single nucleotide variant.
Coding change: c.893C>T on transcript NM_004260.4 (MANE Select); coding-DNA position 893, C replaced by T.
Protein change: p.Pro298Leu; replaces proline 298 with leucine.
Molecular consequence: missense variant.
Genome position (GRCh38, 1-based): chr8:144,516,226, G>A on the plus strand (C>T on the coding strand, the complement: RECQL4 is on the minus strand). VCF-style: chr8-144516226-G-A. GRCh37 (hg19) VCF-style: chr8-145741610-G-A.
Other names: c.893C>T (NM_004260.3); short protein forms P298L.
Identifiers: ClinVar variation 1373469 (VCV001373469.7), dbSNP rs373334948, ClinGen allele CA187688673.